The following is an entry in ClinVar:

ClinVar aggregate classification (germline): Uncertain significance. Review status: criteria provided, multiple submitters, no conflicts (2 of 4 stars). 3 submissions from 3 submitters: Uncertain significance (3). Last evaluated 2025-04-17.

Conditions:
Duane-radial ray syndrome (DRRS). Also called: Duane-Radial Ray Syndrome/Okihiro Syndrome; Duane-Radial Ray Syndrome (DRRS) / Okihiro Syndrome; ACRORENOOCULAR SYNDROME; Okihiro Syndrome; DR SYNDROME; DUANE ANOMALY WITH RADIAL RAY ABNORMALITIES AND DEAFNESS. Identifiers: Orphanet 93293, Orphanet 959, MedGen C1623209, MONDO:0011812, OMIM 607323. Disease mechanism: gain of function.

Allele frequency attached by ClinVar (database versions not stated): ExAC 0.00005; ESP Exome Variant Server 0.00008; gnomAD 0.00008; TOPMed 0.00012.
gnomAD v4.1: 146 of 1,614,190 alleles (0.009%); highest among the groups gnomAD compares: Middle Eastern, 0.082%; no homozygotes.

Submissions (3):

Labcorp Genetics (formerly Invitae), Labcorp
Classification: Uncertain significance for Duane-radial ray syndrome. Last evaluated: 2025-04-17. Review status: criteria provided, single submitter. Criteria: Invitae Variant Classification Sherloc (09022015). Collection method: clinical testing. Allele origin: germline.
Comment: This sequence change replaces alanine, which is neutral and non-polar, with glutamic acid, which is acidic and polar, at codon 192 of the SALL4 protein (p.Ala192Glu). This variant is present in population databases (rs376632759, gnomAD 0.009%). This missense change has been observed in individual(s) with clinical features of microphthalmia, anophthalmia, coloboma spectrum (PMID: 27661448). ClinVar contains an entry for this variant (Variation ID: 2099968). An algorithm developed to predict the effect of missense changes on protein structure and function (PolyPhen-2) suggests that this variant is likely to be disruptive. In summary, the available evidence is currently insufficient to determine the role of this variant in disease. Therefore, it has been classified as a Variant of Uncertain Significance.

Women's Health and Genetics/Laboratory Corporation of America, LabCorp
Classification: Uncertain significance. Last evaluated: 2024-12-30. Review status: criteria provided, single submitter. Criteria: LabCorp Variant Classification Summary - May 2015. Collection method: clinical testing. Allele origin: germline.
Comment: Variant summary: SALL4 c.575C>A (p.Ala192Glu) results in a non-conservative amino acid change in the encoded protein sequence. Five of five in-silico tools predict a damaging effect of the variant on protein function. The variant allele was found at a frequency of 5.6e-05 in 251318 control chromosomes. This frequency is not significantly higher than estimated for a pathogenic variant in SALL4 causing SALL4-Related Disorders, allowing no conclusion about variant significance. c.575C>A has been reported in the literature in at least one individual affected with microphthalmia, colobomas, optic nerve hypoplasia, ventricular septal defect, atrial septal defect,and growth delays (e.g,, Ullah_2017). However, this variant was also detected in an unaffected parent. These report(s) do not provide unequivocal conclusions about association of the variant with SALL4-Related Disorders. To our knowledge, no experimental evidence demonstrating an impact on protein function has been reported. The following publication has been ascertained in the context of this evaluation (PMID: 27661448). ClinVar contains an entry for this variant (Variation ID: 2099968). Based on the evidence outlined above, the variant was classified as uncertain significance.

CeGaT Center for Human Genetics Tuebingen
Classification: Uncertain significance. Last evaluated: 2023-11-01. Review status: criteria provided, single submitter. Criteria: CeGaT Center For Human Genetics Tuebingen Variant Classification Criteria Version 2. Collection method: clinical testing. Allele origin: germline. Affected: yes. Observed: 1 variant allele.
Comment: SALL4: PM2:Supporting, PP3, PS4:Supporting

Literature cited by the submitters: PubMed 27661448 (cited by Labcorp Genetics (formerly Invitae), Labcorp and Women's Health and Genetics/Laboratory Corporation of America, LabCorp).

NM_020436.5(SALL4):c.575C>A (p.Ala192Glu)

Gene: SALL4 (spalt like transcription factor 4; minus strand). Cytogenetic location: 20q13.2.
Variant type: single nucleotide variant.
Coding change: c.575C>A on transcript NM_020436.5 (MANE Select); coding-DNA position 575, C replaced by A.
Protein change: p.Ala192Glu; replaces alanine 192 with glutamic acid.
Molecular consequence: missense variant.
Genome position (GRCh38, 1-based): chr20:51,791,908, G>T on the plus strand (C>A on the coding strand, the complement: SALL4 is on the minus strand). VCF-style: chr20-51791908-G-T. GRCh37 (hg19) VCF-style: chr20-50408447-G-T.
Other names: c.575C>A, p.Ala192Glu (NM_001318031.2); short protein forms A192E.
Identifiers: ClinVar variation 2099968 (VCV002099968.28), dbSNP rs376632759, ClinGen allele CA9912435.